The following is an entry in ClinVar:

ClinVar aggregate classification (germline): Likely pathogenic (1 of 4 stars; one submission).

Conditions:
Autosomal recessive limb-girdle muscular dystrophy type 2J (LGMDR10). Also called: Limb-girdle muscular dystrophy, type 2J; MUSCULAR DYSTROPHY, LIMB-GIRDLE, AUTOSOMAL RECESSIVE 10. Identifiers: Orphanet 140922, MedGen C1837342, MONDO:0012127, OMIM 608807.
Dilated cardiomyopathy 1G (CMD1G). Identifiers: Orphanet 154, MedGen C1858763, MONDO:0011400, OMIM 604145.

Submission:

Labcorp Genetics (formerly Invitae), Labcorp
Classification: Likely pathogenic for Dilated cardiomyopathy 1G; Autosomal recessive limb-girdle muscular dystrophy type 2J. Last evaluated: 2024-10-18. Review status: criteria provided, single submitter. Criteria: Invitae Variant Classification Sherloc (09022015). Collection method: clinical testing. Allele origin: germline.
Comment: This sequence change creates a premature translational stop signal (p.Arg14068Lysfs*23) in the TTN gene. While this is not anticipated to result in nonsense mediated decay, it is expected to create a truncated TTN protein. This variant is not present in population databases (gnomAD no frequency). This variant has not been reported in the literature in individuals affected with TTN-related conditions. ClinVar contains an entry for this variant (Variation ID: 582612). This variant is located in the I band of TTN (PMID: 25589632). Truncating variants in this region have been reported in individuals affected with autosomal recessive centronuclear myopathy (PMID: 23975875, internal data). Truncating variants in this region have also been identified in individuals affected with autosomal dominant dilated cardiomyopathy and/or cardio-related conditions (PMID: 27869827, 32964742, internal data). In summary, the currently available evidence indicates that the variant is pathogenic, but additional data are needed to prove that conclusively. Therefore, this variant has been classified as Likely Pathogenic.

Literature cited by the submitters: PubMed 25589632; PubMed 23975875; PubMed 27869827; PubMed 32964742.

NM_001267550.2(TTN):c.42202dup (p.Arg14068fs)

Gene: TTN (titin; minus strand). Cytogenetic location: 2q31.2.
Variant type: Duplication.
Coding change: c.42202dup on transcript NM_001267550.2 (MANE Select); coding-DNA position 42202, one base duplicated (A; older notation c.42202dupA).
Protein change: p.Arg14068fs; shifts the reading frame from arginine 14068.
Molecular consequence: frameshift variant.
Genome position (GRCh38, 1-based): chr2:178,634,579, T duplicated on the plus strand (A on the coding strand, the reverse complement: TTN is on the minus strand); the first of 3 consecutive T bases (chr2:178,634,579-178,634,581); duplicating any one gives the same sequence. VCF-style (leftmost placement, unchanged base first): chr2-178634578-C-CT. GRCh37 (hg19) VCF-style: chr2-179499305-C-CT.
Other names: c.37279dup, p.Arg12427fs (NM_001256850.1); c.15007dup, p.Arg5003fs (NM_003319.4); c.34498dup, p.Arg11500fs (NM_133378.4); c.15382dup, p.Arg5128fs (NM_133432.3); c.15583dup, p.Arg5195fs (NM_133437.4); c.42202dupA (NM_001267550.2); short protein forms R5003fs, R11500fs, R5195fs, R12427fs, R14068fs, R5128fs.
Identifiers: ClinVar variation 582612 (VCV000582612.9), dbSNP rs1559974529, ClinGen allele CA891842462.